The following is an entry in ClinVar:

ClinVar aggregate classification (germline): Uncertain significance (1 of 4 stars; one submission).

Conditions:
Primary ciliary dyskinesia. Also called: Ciliary dyskinesia. Identifiers: Orphanet 244, MedGen C0008780, MONDO:0016575, HP:0012265.

Submission:

Labcorp Genetics (formerly Invitae), Labcorp
Classification: Uncertain significance for Primary ciliary dyskinesia. Last evaluated: 2021-08-24. Review status: criteria provided, single submitter. Criteria: Invitae Variant Classification Sherloc (09022015). Collection method: clinical testing. Allele origin: germline.
Comment: This variant, c.1503_1505del, results in the deletion of 1 amino acid(s) of the DRC1 protein (p.Asp501del), but otherwise preserves the integrity of the reading frame. This variant is present in population databases (rs778078856, ExAC 0.02%). This variant has not been reported in the literature in individuals affected with DRC1-related conditions. Experimental studies and prediction algorithms are not available or were not evaluated, and the functional significance of this variant is currently unknown. In summary, the available evidence is currently insufficient to determine the role of this variant in disease. Therefore, it has been classified as a Variant of Uncertain Significance.

NM_145038.5(DRC1):c.1503_1505del (p.Asp501del)

Gene: DRC1 (dynein regulatory complex subunit 1; plus strand). Cytogenetic location: 2p23.3.
Variant type: Deletion.
Coding change: c.1503_1505del on transcript NM_145038.5 (MANE Select); coding-DNA positions 1503 to 1505, 3 bases deleted (CGA; older notation c.1503_1505delCGA).
Protein change: p.Asp501del; deletes aspartic acid 501.
Molecular consequence: inframe deletion.
Genome position (GRCh38, 1-based): chr2:26,448,797-26,448,799, CGA deleted; deleting any 3 consecutive bases within chr2:26,448,795-26,448,799 gives the same sequence; the c. name uses the placement nearest the transcript's 3' end. VCF-style (leftmost placement, unchanged base first): chr2-26448794-TGAC-T. GRCh37 (hg19) VCF-style: chr2-26671662-TGAC-T.
Other names: short protein forms D501del.
Identifiers: ClinVar variation 1364773 (VCV001364773.5), dbSNP rs778078856, ClinGen allele CA1562272.
Genomic context (GRCh38, chr2:26,448,794, plus strand): 5'-CCTGGATTTGCCGAAGCAAATTTCTGAAAAAACTACCAAGAGGATCCTGATGCTCCTGTG[TGAC>T]GAGTCGGTGAGGCCAGGCGGGGGCTGCAGCAGAGGGACTCACGGGGGTGTGCAGGTTCTG-3'